The following is an entry in ClinVar:

NM_002439.5(MSH3):c.1991A>T (p.Gln664Leu)

Gene: MSH3 (mutS homolog 3; plus strand). Cytogenetic location: 5q14.1.
Variant type: single nucleotide variant.
Coding change: c.1991A>T on transcript NM_002439.5 (MANE Select); coding-DNA position 1991, A replaced by T.
Protein change: p.Gln664Leu; replaces glutamine 664 with leucine.
Molecular consequence: missense variant.
Genome position (GRCh38, 1-based): chr5:80,768,027, A>T. VCF-style: chr5-80768027-A-T. GRCh37 (hg19) VCF-style: chr5-80063846-A-T.
Other names: short protein forms Q664L.
Identifiers: ClinVar variation 5024795 (VCV005024795.1).

ClinVar aggregate classification (germline): Uncertain significance (1 of 4 stars; one submission).

Conditions:
Hereditary cancer-predisposing syndrome. Also called: Neoplastic Syndromes, Hereditary; Tumor predisposition; Hereditary neoplastic syndrome; Hereditary Cancer Syndrome. Identifiers: Orphanet 140162, MedGen C0027672, MeSH D009386, MONDO:0015356.

Submission:

Ambry Genetics
Classification: Uncertain significance for Hereditary cancer-predisposing syndrome. Last evaluated: 2026-07-07. Review status: criteria provided, single submitter. Criteria: Ambry Variant Classification Scheme 2023. Collection method: clinical testing. Allele origin: germline.
Comment: The p.Q664L variant (also known as c.1991A>T), located in coding exon 14 of the MSH3 gene, results from an A to T substitution at nucleotide position 1991. The glutamine at codon 664 is replaced by leucine, an amino acid with dissimilar properties. This amino acid position is conserved. In addition, this alteration is predicted to be tolerated by in silico analysis. Based on the available evidence, the clinical significance of this variant remains unclear.